The following is an entry in ClinVar:

ClinVar aggregate classification (germline): Conflicting classifications of pathogenicity. Review status: criteria provided, conflicting classifications (1 of 4 stars). 4 submissions from 4 submitters: Uncertain significance (1); Benign (1); Likely benign (2). Last evaluated 2026-05-22.

Conditions:
Cardiovascular phenotype. Identifiers: MedGen CN230736.
Hereditary cancer-predisposing syndrome. Also called: Neoplastic Syndromes, Hereditary; Tumor predisposition; Hereditary Cancer Syndrome; Hereditary neoplastic syndrome. Identifiers: Orphanet 140162, MedGen C0027672, MeSH D009386, MONDO:0015356.
Neurofibromatosis, type 1 (NF1). Also called: Peripheral type neurofibromatosis; NEUROFIBROMATOSIS, TYPE I, SOMATIC; VON RECKLINGHAUSEN DISEASE; Neurofibromatosis, type I. Identifiers: Orphanet 636, MedGen C0027831, MONDO:0018975, OMIM 162200. Disease mechanism: loss of function.

Allele frequency attached by ClinVar (database versions not stated): gnomAD exomes below 0.00001; TOPMed below 0.00001; ExAC 0.00001; gnomAD 0.00001.
gnomAD v4.1: 6 of 1,613,956 alleles (0.00037%); highest among the groups gnomAD compares: African/African-American, 0.0067%; no homozygotes.

Submissions (4):

Myriad Genetics, Inc.
Classification: Benign for Neurofibromatosis, type 1. Last evaluated: 2026-05-22. Review status: criteria provided, single submitter. Criteria: Myriad Autosomal Dominant, Autosomal Recessive and X-Linked Classification Criteria (2023). Collection method: clinical testing. Allele origin: unknown.
Comment: This variant is considered benign. This variant is a silent/synonymous amino acid change and it is not expected to impact splicing.

Labcorp Genetics (formerly Invitae), Labcorp
Classification: Likely benign for Neurofibromatosis, type 1. Last evaluated: 2026-01-26. Review status: criteria provided, single submitter. Criteria: Invitae Variant Classification Sherloc (09022015). Collection method: clinical testing. Allele origin: germline.

GeneDx
Classification: Uncertain significance. Last evaluated: 2022-12-22. Review status: criteria provided, single submitter. Criteria: GeneDx Variant Classification Process June 2021. Collection method: clinical testing. Allele origin: germline. Affected: yes.
Comment: In silico analysis supports that this variant does not alter splicing; Has not been previously published as pathogenic or benign to our knowledge

Ambry Genetics
Classification: Likely benign for Cardiovascular phenotype; Hereditary cancer-predisposing syndrome. Last evaluated: 2020-09-11. Review status: criteria provided, single submitter. Criteria: Ambry Variant Classification Scheme 2023. Collection method: clinical testing. Allele origin: germline.

NM_001042492.3(NF1):c.8298G>A (p.Leu2766=)

Gene: NF1 (neurofibromin 1; plus strand). Cytogenetic location: 17q11.2.
Variant type: single nucleotide variant.
Coding change: c.8298G>A on transcript NM_001042492.3 (MANE Select); coding-DNA position 8298, G replaced by A.
Protein change: p.Leu2766=; no amino-acid change (leucine 2766 retained).
Molecular consequence: synonymous variant.
Genome position (GRCh38, 1-based): chr17:31,360,624, G>A. VCF-style: chr17-31360624-G-A. GRCh37 (hg19) VCF-style: chr17-29687642-G-A.
Other names: c.8235G>A, p.Leu2745= (NM_000267.4).
Identifiers: ClinVar variation 1132814 (VCV001132814.11), dbSNP rs768947696, ClinGen allele CA8487785.